The following is an entry in ClinVar:

ClinVar aggregate classification (germline): Uncertain significance (1 of 4 stars; one submission).

Conditions:
Hereditary cancer-predisposing syndrome. Also called: Neoplastic Syndromes, Hereditary; Tumor predisposition; Hereditary Cancer Syndrome; Hereditary neoplastic syndrome. Identifiers: Orphanet 140162, MedGen C0027672, MeSH D009386, MONDO:0015356.

Submission:

Ambry Genetics
Classification: Uncertain significance for Hereditary cancer-predisposing syndrome. Last evaluated: 2026-02-24. Review status: criteria provided, single submitter. Criteria: Ambry Variant Classification Scheme 2023. Collection method: clinical testing. Allele origin: germline.
Comment: The p.Q445H variant (also known as c.1335G>C), located in coding exon 10 of the APC gene, results from a G to C substitution at nucleotide position 1335. The glutamine at codon 445 is replaced by histidine, an amino acid with highly similar properties. This amino acid position is conserved. In addition, in silico predictors for this gene do not accurately predict pathogenicity. Based on the available evidence, the clinical significance of this variant remains unclear.

NM_000038.6(APC):c.1335G>C (p.Gln445His)

Gene: APC (APC regulator of Wnt signaling pathway; plus strand). Cytogenetic location: 5q22.2.
Variant type: single nucleotide variant.
Coding change: c.1335G>C on transcript NM_000038.6 (MANE Select); coding-DNA position 1335, G replaced by C.
Protein change: p.Gln445His; replaces glutamine 445 with histidine.
Molecular consequence: missense variant. On other transcripts: non-coding transcript variant (2).
Genome position (GRCh38, 1-based): chr5:112,821,918, G>C. VCF-style: chr5-112821918-G-C. GRCh37 (hg19) VCF-style: chr5-112157615-G-C.
Other names: c.1335G>C, p.Gln445His (NM_001127510.3, NM_001407447.1, NM_001407448.1 and 4 more transcripts); c.1281G>C, p.Gln427His (NM_001127511.3); c.855G>C, p.Gln285His (NM_001354905.2); c.486G>C, p.Gln162His (NM_001354906.2, NM_001407470.1); c.1365G>C, p.Gln455His (NM_001407446.1, NM_001354897.2); c.1260G>C, p.Gln420His (NM_001407451.1, NM_001354898.2); c.1251G>C, p.Gln417His (NM_001407452.1, NM_001354899.2); c.183G>C, p.Gln61His (NM_001407471.1, NM_001407472.1); and 5 more; short protein forms Q285H, Q316H, Q319H, Q386H, Q455H, Q162H, Q420H, Q427H.
Identifiers: ClinVar variation 4827282 (VCV004827282.1).